The following is an entry in ClinVar:

ClinVar aggregate classification (germline): Benign. Review status: criteria provided, multiple submitters, no conflicts (2 of 4 stars). 13 submissions from 13 submitters: Benign (11). 2 of the submissions do not count toward it. Last evaluated 2026-02-04.

Conditions:
Early-infantile DEE. Also called: Early infantile epileptic encephalopathy with suppression bursts; Early infantile epileptic encephalopathy; Ohtahara syndrome. Identifiers: Orphanet 1934, MedGen C0393706, MONDO:0800491.
Inborn genetic diseases. Identifiers: MedGen C0950123, MeSH D030342.
Developmental and epileptic encephalopathy, 5 (DEE5). Identifiers: Orphanet 3451, MedGen C3150731, MONDO:0013277, OMIM 613477.

Allele frequency attached by ClinVar (database versions not stated): 1000 Genomes Project 30x 0.61321; 1000 Genomes Project 0.61701; TOPMed 0.70693; gnomAD 0.72171 and 0.72320; ESP Exome Variant Server 0.73282; ExAC 0.79132; gnomAD exomes 0.79608 and 0.86182.
gnomAD v4.1: 1,367,993 of 1,613,940 alleles (85%); highest among the groups gnomAD compares: Non-Finnish European, 90%; 593,604 homozygotes.

Submissions (13):

Labcorp Genetics (formerly Invitae), Labcorp
Classification: Benign for Early-infantile DEE. Last evaluated: 2026-02-04. Review status: criteria provided, single submitter. Criteria: Invitae Variant Classification Sherloc (09022015). Collection method: clinical testing. Allele origin: germline.

Blueprint Genetics
Classification: Benign. Last evaluated: 2024-11-27. Review status: criteria provided, single submitter. Criteria: ACMG Guidelines, 2015. Collection method: clinical testing. Allele origin: germline.

Unidad de Genómica Garrahan, Hospital de Pediatría Garrahan
Classification: Benign. Last evaluated: 2024-07-15. Review status: criteria provided, single submitter. Criteria: ACMG Guidelines, 2015. Collection method: clinical testing. Allele origin: germline. Affected: no. Observed: 90 variant alleles.
Comment: This variant is classified as Benign based on local population frequency. This variant was detected in 97% of patients studied in a panel designed for Epileptic and Developmental Encephalopathy and Progressive Myoclonus Epilepsy. Number of patients: 90. Only high quality variants are reported.

Mayo Clinic Laboratories, Mayo Clinic
Classification: Benign. Last evaluated: 2022-03-24. Review status: criteria provided, single submitter. Criteria: ACMG Guidelines, 2015. Collection method: clinical testing. Allele origin: germline. Observed: 1,589 variant alleles.

Genome-Nilou Lab
Classification: Benign for Developmental and epileptic encephalopathy, 5. Last evaluated: 2021-07-15. Review status: criteria provided, single submitter. Criteria: ACMG Guidelines, 2015. Collection method: clinical testing. Allele origin: germline. Affected: no.

Athena Diagnostics
Classification: Benign. Last evaluated: 2018-05-06. Review status: criteria provided, single submitter. Criteria: Athena Diagnostics Criteria. Collection method: clinical testing. Allele origin: germline.

Ambry Genetics
Classification: Benign for Inborn genetic diseases. Last evaluated: 2015-12-31. Review status: criteria provided, single submitter. Criteria: Ambry Variant Classification Scheme 2023. Collection method: clinical testing. Allele origin: germline.

GeneDx
Classification: Benign. Last evaluated: 2013-06-12. Review status: criteria provided, single submitter. Criteria: GeneDx Variant Classification (06012015). Collection method: clinical testing. Allele origin: germline. Affected: yes.
Comment: This variant is considered likely benign or benign based on one or more of the following criteria: it is a conservative change, it occurs at a poorly conserved position in the protein, it is predicted to be benign by multiple in silico algorithms, and/or has population frequency not consistent with disease.

Genetic Services Laboratory, University of Chicago
Classification: Benign. Last evaluated: 2013-02-08. Review status: criteria provided, single submitter. Criteria: ACMG Guidelines, 2007. Collection method: clinical testing. Allele origin: germline. Inheritance: Autosomal dominant inheritance.

Breakthrough Genomics
Classification: Benign. Review status: criteria provided, single submitter. Criteria: ACMG Guidelines, 2015. Collection method: not provided. Allele origin: germline. Inheritance: Autosomal dominant inheritance. Affected: yes.

PreventionGenetics, part of Exact Sciences
Classification: Benign. Review status: criteria provided, single submitter. Criteria: ACMG Guidelines, 2015. Collection method: clinical testing. Allele origin: germline.

Diagnostic Laboratory, Department of Genetics, University Medical Center Groningen
Classification: Benign. Review status: no assertion criteria provided. Collection method: clinical testing. Allele origin: germline. Affected: yes. Study: VKGL Data-share Consensus. Not counted in ClinVar's aggregate classification.

Joint Genome Diagnostic Labs from Nijmegen and Maastricht, Radboudumc and MUMC+
Classification: Benign. Review status: no assertion criteria provided. Collection method: clinical testing. Allele origin: germline. Affected: yes. Study: VKGL Data-share Consensus. Not counted in ClinVar's aggregate classification.

NM_001130438.3(SPTAN1):c.5406C>T (p.Thr1802=)

Gene: SPTAN1 (spectrin alpha, non-erythrocytic 1; plus strand). Cytogenetic location: 9q34.11.
Variant type: single nucleotide variant.
Coding change: c.5406C>T on transcript NM_001130438.3 (MANE Select); coding-DNA position 5406, C replaced by T.
Protein change: p.Thr1802=; no amino-acid change (threonine 1802 retained).
Molecular consequence: synonymous variant.
Genome position (GRCh38, 1-based): chr9:128,617,688, C>T. VCF-style: chr9-128617688-C-T. GRCh37 (hg19) VCF-style: chr9-131379967-C-T.
Other names: p.T1802T:ACC>ACT; p.Thr1802=; c.5331C>T, p.Thr1777= (NM_001195532.2); c.5406C>T, p.Thr1802= (NM_001363759.2); c.5346C>T, p.Thr1782= (NM_001363765.2); c.5391C>T, p.Thr1797= (NM_003127.4).
Identifiers: ClinVar variation 139297 (VCV000139297.32), dbSNP rs2227862, ClinGen allele CA295184.